The following is an entry in ClinVar:

NM_004984.4(KIF5A):c.1429A>G (p.Asn477Asp)

Gene: KIF5A (kinesin family member 5A; plus strand). Cytogenetic location: 12q13.3.
Variant type: single nucleotide variant.
Coding change: c.1429A>G on transcript NM_004984.4 (MANE Select); coding-DNA position 1429, A replaced by G.
Protein change: p.Asn477Asp; replaces asparagine 477 with aspartic acid.
Molecular consequence: missense variant.
Genome position (GRCh38, 1-based): chr12:57,572,127, A>G. VCF-style: chr12-57572127-A-G. GRCh37 (hg19) VCF-style: chr12-57965910-A-G.
Other names: c.1162A>G, p.Asn388Asp (NM_001354705.2); short protein forms N388D, N477D.
Identifiers: ClinVar variation 994507 (VCV000994507.8), dbSNP rs1882274569, ClinGen allele CA385506320.

ClinVar aggregate classification (germline): Uncertain significance. Review status: criteria provided, multiple submitters, no conflicts (2 of 4 stars). 2 submissions from 2 submitters: Uncertain significance (2). Last evaluated 2021-01-16.

Conditions:
Spastic paraplegia. Identifiers: MedGen C0037772, HP:0001258.

Submissions (2):

Labcorp Genetics (formerly Invitae), Labcorp
Classification: Uncertain significance for Spastic paraplegia. Last evaluated: 2021-01-16. Review status: criteria provided, single submitter. Criteria: Invitae Variant Classification Sherloc (09022015). Collection method: clinical testing. Allele origin: germline.
Comment: This sequence change replaces asparagine with aspartic acid at codon 477 of the KIF5A protein (p.Asn477Asp). The asparagine residue is highly conserved and there is a small physicochemical difference between asparagine and aspartic acid. In summary, the available evidence is currently insufficient to determine the role of this variant in disease. Therefore, it has been classified as a Variant of Uncertain Significance. Advanced modeling of protein sequence and biophysical properties (such as structural, functional, and spatial information, amino acid conservation, physicochemical variation, residue mobility, and thermodynamic stability) performed at Invitae indicates that this missense variant is not expected to disrupt KIF5A protein function. This variant has been observed in individual(s) with clinical features of KIF5A-related conditions (Invitae). This variant is not present in population databases (ExAC no frequency).

Athena Diagnostics
Classification: Uncertain significance. Last evaluated: 2020-03-25. Review status: criteria provided, single submitter. Criteria: Athena Diagnostics Criteria. Collection method: clinical testing. Allele origin: unknown.